The following is an entry in ClinVar:

NM_006267.5(RANBP2):c.5941T>A (p.Ser1981Thr)

Gene: RANBP2 (RAN binding protein 2; plus strand). Cytogenetic location: 2q13.
Variant type: single nucleotide variant.
Coding change: c.5941T>A on transcript NM_006267.5 (MANE Select); coding-DNA position 5941, T replaced by A.
Protein change: p.Ser1981Thr; replaces serine 1981 with threonine.
Molecular consequence: missense variant.
Genome position (GRCh38, 1-based): chr2:108,766,480, T>A. VCF-style: chr2-108766480-T-A. GRCh37 (hg19) VCF-style: chr2-109382936-T-A.
Other names: short protein forms S1981T.
Identifiers: ClinVar variation 380579 (VCV000380579.36), dbSNP rs61748150, ClinGen allele CA1823367.

ClinVar aggregate classification (germline): Benign/Likely benign. Review status: criteria provided, multiple submitters, no conflicts (2 of 4 stars). 5 submissions from 5 submitters: Benign (4); Likely benign (1). Last evaluated 2026-09-01.

Conditions:
Familial acute necrotizing encephalopathy (IIAE3). Also called: ENCEPHALOPATHY, ACUTE, INFECTION-INDUCED, SUSCEPTIBILITY TO, 3; Susceptibility to Acute Necrotizing Encephalopathy 1. Identifiers: Orphanet 88619, MedGen C2675556, MONDO:0011953, OMIM 608033.

Allele frequency attached by ClinVar (database versions not stated): 1000 Genomes Project 30x 0.00281; 1000 Genomes Project 0.00300; TOPMed 0.00727; gnomAD 0.00820 and 0.00849; gnomAD exomes 0.00825 and 0.01273; ExAC 0.00897; ESP Exome Variant Server 0.00975.
gnomAD v4.1: 19,643 of 1,611,950 alleles (1.2%); highest among the groups gnomAD compares: Non-Finnish European, 1.5%; 148 homozygotes.

Submissions (5):

CeGaT Center for Human Genetics Tuebingen
Classification: Benign. Last evaluated: 2026-09-01. Review status: criteria provided, single submitter. Criteria: CeGaT Center For Human Genetics Tuebingen Variant Classification Criteria Version 2. Collection method: clinical testing. Allele origin: germline. Affected: yes. Observed: 10 variant alleles.
Comment: RANBP2: BP4, BS1, BS2

Labcorp Genetics (formerly Invitae), Labcorp
Classification: Benign for Familial acute necrotizing encephalopathy. Last evaluated: 2025-09-05. Review status: criteria provided, single submitter. Criteria: Invitae Variant Classification Sherloc (09022015). Collection method: clinical testing. Allele origin: germline.

Blueprint Genetics
Classification: Likely benign. Last evaluated: 2024-11-21. Review status: criteria provided, single submitter. Criteria: ACMG Guidelines, 2015. Collection method: clinical testing. Allele origin: germline.

GeneDx
Classification: Benign. Last evaluated: 2016-10-11. Review status: criteria provided, single submitter. Criteria: GeneDx Variant Classification (06012015). Collection method: clinical testing. Allele origin: germline. Affected: yes.
Comment: This variant is considered likely benign or benign based on one or more of the following criteria: it is a conservative change, it occurs at a poorly conserved position in the protein, it is predicted to be benign by multiple in silico algorithms, and/or has population frequency not consistent with disease.

Breakthrough Genomics
Classification: Benign. Review status: criteria provided, single submitter. Criteria: ACMG Guidelines, 2015. Collection method: not provided. Allele origin: germline. Inheritance: Autosomal dominant inheritance. Affected: yes.